The following is an entry in ClinVar:

NM_201384.3(PLEC):c.6959A>G (p.Gln2320Arg)

Gene: PLEC (plectin; minus strand). Cytogenetic location: 8q24.3.
Variant type: single nucleotide variant.
Coding change: c.6959A>G on transcript NM_201384.3 (MANE Select); coding-DNA position 6959, A replaced by G.
Protein change: p.Gln2320Arg; replaces glutamine 2320 with arginine.
Molecular consequence: missense variant. On other transcripts: intron variant (1).
Genome position (GRCh38, 1-based): chr8:143,922,970, T>C on the plus strand (A>G on the coding strand, the complement: PLEC is on the minus strand). VCF-style: chr8-143922970-T-C. GRCh37 (hg19) VCF-style: chr8-144997138-T-C.
Other names: c.7040A>G, p.Gln2347Arg (NM_000445.5); c.6917A>G, p.Gln2306Arg (NM_201378.4); c.6893A>G, p.Gln2298Arg (NM_201379.3); c.7370A>G, p.Gln2457Arg (NM_201380.4); c.6863A>G, p.Gln2288Arg (NM_201381.3); c.6959A>G, p.Gln2320Arg (NM_201382.4); c.6971A>G, p.Gln2324Arg (NM_201383.3); c.4126-575A>G (NM_001410941.1); short protein forms Q2288R, Q2298R, Q2306R, Q2320R, Q2324R, Q2347R, Q2457R.
Identifiers: ClinVar variation 3761278 (VCV003761278.2).

ClinVar aggregate classification (germline): Uncertain significance (1 of 4 stars; one submission).

Conditions:
Epidermolysis bullosa simplex with nail dystrophy (EBS5D). Identifiers: MedGen C4225309, MONDO:0014661, OMIM 616487.
Epidermolysis bullosa simplex, Ogna type (EBS5A). Also called: EPIDERMOLYSIS BULLOSA SIMPLEX 5A, OGNA TYPE; Pidermolysis bullosa simplex 5A, Ogna type. Identifiers: Orphanet 79401, MedGen C0432317, MONDO:0007555, OMIM 131950.
Autosomal recessive limb-girdle muscular dystrophy type 2Q (LGMDR17). Also called: MUSCULAR DYSTROPHY, LIMB-GIRDLE, AUTOSOMAL RECESSIVE 17. Identifiers: Orphanet 254361, MedGen C3150989, MONDO:0013390, OMIM 613723.
Epidermolysis bullosa simplex 5B, with muscular dystrophy (EBS5B). Also called: EPIDERMOLYSIS BULLOSA SIMPLEX AND LIMB-GIRDLE MUSCULAR DYSTROPHY; Epidermolysis bullosa simplex with muscular dystrophy. Identifiers: Orphanet 257, MedGen C2931072, MONDO:0009181, OMIM 226670.
Epidermolysis bullosa simplex 5C, with pyloric atresia (EBS5C). Also called: PLEC1-Related Epidermolysis Bullosa with Pyloric Atresia; PLEC-Related Epidermolysis Bullosa with Pyloric Atresia; Epidermolysis bullosa simplex with pyloric atresia. Identifiers: Orphanet 158684, MedGen C2677349, MONDO:0012807, OMIM 612138.

gnomAD v4.1: 2 of 1,610,974 alleles (0.00012%); highest among the groups gnomAD compares: Admixed American, 0.0033%; no homozygotes.

Submission:

Labcorp Genetics (formerly Invitae), Labcorp
Classification: Uncertain significance for Autosomal recessive limb-girdle muscular dystrophy type 2Q; Epidermolysis bullosa simplex, Ogna type; Epidermolysis bullosa simplex with nail dystrophy; Epidermolysis bullosa simplex 5C, with pyloric atresia; Epidermolysis bullosa simplex 5B, with muscular dystrophy. Last evaluated: 2024-12-31. Review status: criteria provided, single submitter. Criteria: Invitae Variant Classification Sherloc (09022015). Collection method: clinical testing. Allele origin: germline.
Comment: This sequence change replaces glutamine, which is neutral and polar, with arginine, which is basic and polar, at codon 2347 of the PLEC protein (p.Gln2347Arg). This variant is not present in population databases (gnomAD no frequency). This variant has not been reported in the literature in individuals affected with PLEC-related conditions. An algorithm developed to predict the effect of missense changes on protein structure and function (PolyPhen-2) suggests that this variant is likely to be disruptive. In summary, the available evidence is currently insufficient to determine the role of this variant in disease. Therefore, it has been classified as a Variant of Uncertain Significance.